The following is an entry in ClinVar:

NM_001374736.1(DST):c.14381T>C (p.Leu4794Ser)

Gene: DST (dystonin; minus strand). Cytogenetic location: 6p12.1.
Variant type: single nucleotide variant.
Coding change: c.14381T>C on transcript NM_001374736.1 (MANE Select); coding-DNA position 14381, T replaced by C.
Protein change: p.Leu4794Ser; replaces leucine 4794 with serine.
Molecular consequence: missense variant.
Genome position (GRCh38, 1-based): chr6:56,560,353, A>G on the plus strand (T>C on the coding strand, the complement: DST is on the minus strand). VCF-style: chr6-56560353-A-G. GRCh37 (hg19) VCF-style: chr6-56425151-A-G.
Other names: c.8024T>C, p.Leu2675Ser (NM_001144769.5); c.7610T>C, p.Leu2537Ser (NM_001144770.2); c.14381T>C, p.Leu4794Ser (NM_001374722.1); c.13748T>C, p.Leu4583Ser (NM_001374729.1); c.7490T>C, p.Leu2497Ser (NM_001374730.1, NM_183380.4); c.14408T>C, p.Leu4803Ser (NM_001374734.1); c.6512T>C, p.Leu2171Ser (NM_015548.5); short protein forms L2537S, L4583S, L2171S, L2497S, L2675S, L4794S, L4803S.
Identifiers: ClinVar variation 970603 (VCV000970603.8), dbSNP rs2097518193, ClinGen allele CA364521897.

ClinVar aggregate classification (germline): Uncertain significance (1 of 4 stars; one submission).

Conditions:
Epidermolysis bullosa simplex 3, localized or generalized intermediate, with BP230 deficiency (EBS3). Also called: Epidermolysis bullosa simplex, autosomal recessive 2; Epidermolysis bullosa simplex due to BP230 deficiency. Identifiers: Orphanet 412181, MedGen C3809470, MONDO:0014180, OMIM 615425.
Hereditary sensory and autonomic neuropathy type 6. Also called: Neuropathy, hereditary sensory and autonomic, type VI; HSAN VI. Identifiers: Orphanet 314381, MedGen C3539003, MONDO:0013839, OMIM 614653.

Submission:

Labcorp Genetics (formerly Invitae), Labcorp
Classification: Uncertain significance for Epidermolysis bullosa simplex 3, localized or generalized intermediate, with BP230 deficiency; Hereditary sensory and autonomic neuropathy type 6. Last evaluated: 2019-11-15. Review status: criteria provided, single submitter. Criteria: Invitae Variant Classification Sherloc (09022015). Collection method: clinical testing. Allele origin: germline.
Comment: This sequence change replaces leucine with serine at codon 2171 of the DST protein (p.Leu2171Ser). The leucine residue is highly conserved and there is a large physicochemical difference between leucine and serine. The DST gene has multiple clinically relevant transcripts. The serine variant occurs in alternate transcript NM_015548.4, which corresponds to c.*55164T>C in NM_001723.5, the primary transcript listed in the Methods. This variant is not present in population databases (ExAC no frequency). This variant has not been reported in the literature in individuals with DST-related conditions. Algorithms developed to predict the effect of missense changes on protein structure and function are either unavailable or do not agree on the potential impact of this missense change (SIFT: "Deleterious"; PolyPhen-2: "Not Available"; Align-GVGD: "Class C15"). In summary, the available evidence is currently insufficient to determine the role of this variant in disease. Therefore, it has been classified as a Variant of Uncertain Significance.